The following is an entry in ClinVar:

ClinVar aggregate classification (germline): Likely pathogenic. Review status: criteria provided, multiple submitters, no conflicts (2 of 4 stars). 3 submissions from 3 submitters: Likely pathogenic (3). Last evaluated 2025-09-25.

Conditions:
Dilated cardiomyopathy 1G (CMD1G). Identifiers: Orphanet 154, MedGen C1858763, MONDO:0011400, OMIM 604145.
Autosomal recessive limb-girdle muscular dystrophy type 2J (LGMDR10). Also called: Limb-girdle muscular dystrophy, type 2J; MUSCULAR DYSTROPHY, LIMB-GIRDLE, AUTOSOMAL RECESSIVE 10. Identifiers: Orphanet 140922, MedGen C1837342, MONDO:0012127, OMIM 608807.
Primary dilated cardiomyopathy (DCM). Also called: Dilated Cardiomyopathy. Identifiers: Orphanet 217604, MedGen C0007193, MeSH D002311, MONDO:0005021, HP:0001644. Inheritance: Various modes of inheritance.

Submissions (3):

Labcorp Genetics (formerly Invitae), Labcorp
Classification: Likely pathogenic for Dilated cardiomyopathy 1G; Autosomal recessive limb-girdle muscular dystrophy type 2J. Last evaluated: 2025-09-25. Review status: criteria provided, single submitter. Criteria: Invitae Variant Classification Sherloc (09022015). Collection method: clinical testing. Allele origin: germline.
Comment: This sequence change creates a premature translational stop signal (p.Val23282*) in the TTN gene. While this is not anticipated to result in nonsense mediated decay, it is expected to create a truncated TTN protein. This variant is not present in population databases (gnomAD no frequency). This premature translational stop signal has been observed in individual(s) with autosomal dominant dilated cardiomyopathy (PMID: 22335739). This variant is also known as c.64920delA. ClinVar contains an entry for this variant (Variation ID: 223317). This variant is located in the A band of TTN (PMID: 25589632). Truncating variants in this region are significantly overrepresented in patients affected with dilated cardiomyopathy (PMID: 25589632). Truncating variants in this region have also been reported in individuals affected with autosomal recessive centronuclear myopathy (PMID: 23975875). In summary, the currently available evidence indicates that the variant is pathogenic, but additional data are needed to prove that conclusively. Therefore, this variant has been classified as Likely Pathogenic.

GeneDx
Classification: Likely pathogenic. Last evaluated: 2025-04-21. Review status: criteria provided, single submitter. Criteria: GeneDx Variant Classification Process June 2021. Collection method: clinical testing. Allele origin: germline. Affected: yes.
Comment: Identified in a patient with DCM in published literature (PMID: 22335739); Not observed at significant frequency in large population cohorts (gnomAD); Nonsense variant predicted to result in protein truncation or nonsense mediated decay in a gene for which loss of function is a known mechanism of disease; This variant is associated with the following publications: (PMID: 22335739, 32778822)

Cardiovascular Biomedical Research Unit, Royal Brompton & Harefield NHS Foundation Trust
Classification: Likely pathogenic for Primary dilated cardiomyopathy. Last evaluated: 2014-10-08. Review status: criteria provided, single submitter. Criteria: Roberts et al. 2015. Collection method: research. Allele origin: germline. Inheritance: Autosomal dominant inheritance. Affected: yes. Observed: 1 variant allele. Study: Endstage DCM.
Comment: In the seven cohorts assessed, TTNtv were found in 14% of ambulant DCM, 22% end-stage or familial DCM, and 2% controls. Heterozygous nonsense, frameshift and canonical splice-disrupting variants found in constitutive and other highly utilised exons are highly likely to be pathogenic when identified in individuals with phenotypically confirmed DCM. TTNtv found incidentally in healthy individuals (excluding familial assessment of DCM relatives) are thought to have low penetrance, particularly when identified in exons that are not constitutively expressed in the heart.

Literature cited by the submitters: PubMed 22335739 (cited by Labcorp Genetics (formerly Invitae), Labcorp); PubMed 25589632 (cited by Labcorp Genetics (formerly Invitae), Labcorp); PubMed 23975875 (cited by Labcorp Genetics (formerly Invitae), Labcorp).

NM_001267550.2(TTN):c.69843del (p.Lys23281_Val23282insTer)

Genes: TTN (titin; minus strand), TTN-AS1 (TTN antisense RNA 1; plus strand), LOC126806422 (BRD4-independent group 4 enhancer GRCh37_chr2:179440205-179441404; plus strand). Cytogenetic location: 2q31.2.
Variant type: Deletion.
Coding change: c.69843del on transcript NM_001267550.2 (MANE Select); coding-DNA position 69843, one base deleted (A; older notation c.69843delA).
Protein change: p.Lys23281_Val23282insTer.
Molecular consequence: frameshift variant.
Genome position (GRCh38, 1-based): chr2:178,576,289, T deleted on the plus strand (A on the coding strand, the reverse complement: TTN is on the minus strand); the first of 5 consecutive T bases (chr2:178,576,289-178,576,293); deleting any one gives the same sequence. VCF-style (leftmost placement, unchanged base first): chr2-178576288-CT-C. GRCh37 (hg19) VCF-style: chr2-179441015-CT-C.
Other names: c.69843delA (LRG_391t1, LRG_391t1); c.69843del (NM_001267550.1); c.64920del, p.Lys21640_Val21641insTer (NM_001256850.1); c.42648del, p.Lys14216_Val14217insTer (NM_003319.4); c.62139del, p.Lys20713_Val20714insTer (NM_133378.4); c.43023del, p.Lys14341_Val14342insTer (NM_133432.3); c.43224del, p.Lys14408_Val14409insTer (NM_133437.4).
Identifiers: ClinVar variation 223317 (VCV000223317.2), dbSNP rs869312075, ClinGen allele CA353178.
Genomic context (GRCh38, chr2:178,576,288, plus strand): 5'-CGAACTGAGTGATTCTGAGGGCGGTTCCTGTGGTATCTTTTATCCAGGCCTCGTCTCCTA[CT>C]TTTTGATGCTCCACGACATAGCCAGTGATTTCAAGTCCACCATCATAATGAGGCTTGCCC-3'